The following is an entry in ClinVar:

ClinVar aggregate classification (germline): Uncertain significance. Review status: criteria provided, multiple submitters, no conflicts (2 of 4 stars). 2 submissions from 2 submitters: Uncertain significance (2). Last evaluated 2025-08-08.

Conditions:
Inborn genetic diseases. Identifiers: MedGen C0950123, MeSH D030342.

Submissions (2):

GeneDx
Classification: Uncertain significance. Last evaluated: 2025-08-08. Review status: criteria provided, single submitter. Criteria: GeneDx Variant Classification Process June 2021. Collection method: clinical testing. Allele origin: germline. Affected: yes.
Comment: In silico analysis suggests that this missense variant does not alter protein structure/function; Has not been previously published as pathogenic or benign to our knowledge

Ambry Genetics
Classification: Uncertain significance for Inborn genetic diseases. Last evaluated: 2024-11-10. Review status: criteria provided, single submitter. Criteria: Ambry Variant Classification Scheme 2023. Collection method: clinical testing. Allele origin: germline.

NM_014712.3(SETD1A):c.2260A>G (p.Met754Val)

Gene: SETD1A (SET domain containing 1A, histone lysine methyltransferase; plus strand). Cytogenetic location: 16p11.2.
Variant type: single nucleotide variant.
Coding change: c.2260A>G on transcript NM_014712.3 (MANE Select); coding-DNA position 2260, A replaced by G.
Protein change: p.Met754Val; replaces methionine 754 with valine.
Molecular consequence: missense variant.
Genome position (GRCh38, 1-based): chr16:30,966,141, A>G. VCF-style: chr16-30966141-A-G. GRCh37 (hg19) VCF-style: chr16-30977462-A-G.
Other names: short protein forms M754V.
Identifiers: ClinVar variation 3440163 (VCV003440163.2).